The following is an entry in ClinVar:

ClinVar aggregate classification (germline): Uncertain significance (1 of 4 stars; one submission).

Conditions:
X-linked Alport syndrome (ATS1). Also called: COL4A5-Related Nephropathy; NEPHROPATHY AND DEAFNESS, X-LINKED. Identifiers: Orphanet 63, Orphanet 88917, MedGen C4746986, MONDO:0010520, OMIM 301050.

Submission:

Department of Nephrology, Rheumatology and Immunology, Shanghai Children's Hospital
Classification: Uncertain significance for X-linked Alport syndrome. Last evaluated: 2019-12-07. Review status: criteria provided, single submitter. Criteria: ACMG Guidelines, 2015. Collection method: clinical testing. Allele origin: maternal. Affected: yes. Observed: 1 variant allele.
Comment: The NM_000495.5(COL4A5):c.2174G>A (p.Gly725Glu) is a missense variant located in a Gly-X-Y repeat of the collagenous domain of COL4A5. This variant is absent in the gnomAD v3.1.2 (GRCh38) population database (PM2). Multiple computational tools, including SIFT and PolyPhen, predict this variant to have a deleterious effect on the protein product (PP3). In summary, this variant meets criteria to be classified as Uncertain Significance for Alport syndrome based on the ACMG/AMP 2015 criteria applied: PM2, PP1, PP3, PP4.

NM_033380.3(COL4A5):c.2174G>A (p.Gly725Glu)

Gene: COL4A5 (collagen type IV alpha 5 chain; plus strand). Cytogenetic location: Xq22.3.
Variant type: single nucleotide variant.
Coding change: c.2174G>A on transcript NM_033380.3 (MANE Select); coding-DNA position 2174, G replaced by A.
Protein change: p.Gly725Glu; replaces glycine 725 with glutamic acid.
Molecular consequence: missense variant.
Genome position (GRCh38, 1-based): chrX:108,602,991, G>A. VCF-style: chrX-108602991-G-A. GRCh37 (hg19) VCF-style: chrX-107846221-G-A.
Other names: c.2174G>A, p.Gly725Glu (NM_000495.5); short protein forms G725E.
Identifiers: ClinVar variation 4796717 (VCV004796717.1).